The following is an entry in ClinVar:

ClinVar aggregate classification (germline): Uncertain significance (1 of 4 stars; one submission).

Conditions:
Dystonia 12 (DYT12). Also called: DYT-ATP1A3; Rapid-Onset Dystonia-Parkinsonism (RDP). Identifiers: Orphanet 71517, MedGen C1868681, MONDO:0007496, OMIM 128235.

Allele frequency attached by ClinVar (database versions not stated): gnomAD exomes below 0.00001; TOPMed below 0.00001; gnomAD 0.00001.
gnomAD v4.1: 2 of 1,614,056 alleles (0.00012%); highest among the groups gnomAD compares: Non-Finnish European, 0.00017%; no homozygotes.

Submission:

Labcorp Genetics (formerly Invitae), Labcorp
Classification: Uncertain significance for Dystonia 12. Last evaluated: 2026-02-02. Review status: criteria provided, single submitter. Criteria: Invitae Variant Classification Sherloc (09022015). Collection method: clinical testing. Allele origin: germline.
Comment: This sequence change falls in intron 11 of the ATP1A3 gene. It does not directly change the encoded amino acid sequence of the ATP1A3 protein. It affects a nucleotide within the consensus splice site. This variant is not present in population databases (gnomAD no frequency). This variant has not been reported in the literature in individuals affected with ATP1A3-related conditions. ClinVar contains an entry for this variant (Variation ID: 2725316). Variants that disrupt the consensus splice site are a relatively common cause of aberrant splicing (PMID: 17576681, 9536098). Algorithms developed to predict the effect of sequence changes on RNA splicing suggest that this variant is not likely to affect RNA splicing. In summary, the available evidence is currently insufficient to determine the role of this variant in disease. Therefore, it has been classified as a Variant of Uncertain Significance.

Literature cited by the submitters: PubMed 17576681; PubMed 9536098.

NM_152296.5(ATP1A3):c.1437+5T>A

Gene: ATP1A3 (ATPase Na+/K+ transporting subunit alpha 3; minus strand). Cytogenetic location: 19q13.2.
Variant type: single nucleotide variant.
Coding change: c.1437+5T>A on transcript NM_152296.5 (MANE Select); 5 bases into the intron after coding-DNA position 1437, T replaced by A.
Molecular consequence: intron variant.
Genome position (GRCh38, 1-based): chr19:41,981,497, A>T on the plus strand (T>A on the coding strand, the complement: ATP1A3 is on the minus strand). VCF-style: chr19-41981497-A-T. GRCh37 (hg19) VCF-style: chr19-42485649-A-T.
Other names: c.1476+5T>A (NM_001256214.2); c.1470+5T>A (NM_001256213.2).
Identifiers: ClinVar variation 2725316 (VCV002725316.3), dbSNP rs2075231295, ClinGen allele CA996010284.